The following is an entry in ClinVar:

ClinVar aggregate classification (germline): Uncertain significance. Review status: criteria provided, multiple submitters, no conflicts (2 of 4 stars). 2 submissions from 2 submitters: Uncertain significance (2). Last evaluated 2025-01-07.

Conditions:
Hereditary cancer-predisposing syndrome. Also called: Neoplastic Syndromes, Hereditary; Tumor predisposition; Hereditary Cancer Syndrome; Hereditary neoplastic syndrome. Identifiers: Orphanet 140162, MedGen C0027672, MeSH D009386, MONDO:0015356.
Rhabdoid tumor predisposition syndrome 2 (RTPS2). Identifiers: Orphanet 231108, Orphanet 69077, MedGen C2750074, MONDO:0013224, OMIM 613325.

Allele frequency attached by ClinVar (database versions not stated): gnomAD exomes below 0.00001.
gnomAD v4.1: 2 of 1,613,070 alleles (0.00012%); highest among the groups gnomAD compares: Non-Finnish European, 0.00017%; no homozygotes.

Submissions (2):

Ambry Genetics
Classification: Uncertain significance for Hereditary cancer-predisposing syndrome. Last evaluated: 2025-01-07. Review status: criteria provided, single submitter. Criteria: Ambry Variant Classification Scheme 2023. Collection method: clinical testing. Allele origin: germline.
Comment: The p.E1363K variant (also known as c.4087G>A), located in coding exon 28 of the SMARCA4 gene, results from a G to A substitution at nucleotide position 4087. The glutamic acid at codon 1363 is replaced by lysine, an amino acid with similar properties. This amino acid position is highly conserved in available vertebrate species. In addition, the in silico prediction for this alteration is inconclusive. Since supporting evidence is limited at this time, the clinical significance of this alteration remains unclear.

Labcorp Genetics (formerly Invitae), Labcorp
Classification: Uncertain significance for Rhabdoid tumor predisposition syndrome 2. Last evaluated: 2024-11-18. Review status: criteria provided, single submitter. Criteria: Invitae Variant Classification Sherloc (09022015). Collection method: clinical testing. Allele origin: germline.
Comment: This sequence change replaces glutamic acid, which is acidic and polar, with lysine, which is basic and polar, at codon 1363 of the SMARCA4 protein (p.Glu1363Lys). This variant is not present in population databases (gnomAD no frequency). This variant has not been reported in the literature in individuals affected with SMARCA4-related conditions. ClinVar contains an entry for this variant (Variation ID: 1737673). Invitae Evidence Modeling of protein sequence and biophysical properties (such as structural, functional, and spatial information, amino acid conservation, physicochemical variation, residue mobility, and thermodynamic stability) has been performed for this missense variant. However, the output from this modeling did not meet the statistical confidence thresholds required to predict the impact of this variant on SMARCA4 protein function. In summary, the available evidence is currently insufficient to determine the role of this variant in disease. Therefore, it has been classified as a Variant of Uncertain Significance.

NM_003072.5(SMARCA4):c.4087G>A (p.Glu1363Lys)

Gene: SMARCA4 (SWI/SNF related BAF chromatin remodeling complex subunit ATPase 4; plus strand). Cytogenetic location: 19p13.2.
Variant type: single nucleotide variant.
Coding change: c.4087G>A on transcript NM_003072.5 (MANE Select); coding-DNA position 4087, G replaced by A.
Protein change: p.Glu1363Lys; replaces glutamic acid 1363 with lysine.
Molecular consequence: missense variant. On other transcripts: non-coding transcript variant (1).
Genome position (GRCh38, 1-based): chr19:11,035,049, G>A. VCF-style: chr19-11035049-G-A. GRCh37 (hg19) VCF-style: chr19-11145725-G-A.
Other names: c.4087G>A, p.Glu1363Lys (NM_001128844.3, NM_001128849.3, NM_001387283.1); c.3988G>A, p.Glu1330Lys (NM_001128845.2, NM_001128846.2, NM_001128847.4 and 3 more transcripts); short protein forms E1363K, E1330K.
Identifiers: ClinVar variation 1737673 (VCV001737673.6), dbSNP rs2146701361, ClinGen allele CA404068289.